The following is an entry in ClinVar:

ClinVar aggregate classification (germline): Benign. Review status: criteria provided, multiple submitters, no conflicts (2 of 4 stars). 3 submissions from 3 submitters: Benign (2). 1 of the submissions does not count toward it. Last evaluated 2026-01-26.

Conditions:
OSGEP-related disorder. Also called: OSGEP-related condition.

Allele frequency attached by ClinVar (database versions not stated): 1000 Genomes Project 30x 0.00375; 1000 Genomes Project 0.00399; TOPMed 0.00895; gnomAD exomes 0.01027 and 0.01400; gnomAD 0.01039 and 0.01062; ExAC 0.01047; ESP Exome Variant Server 0.01207.
gnomAD v4.1: 21,778 of 1,612,608 alleles (1.4%); highest among the groups gnomAD compares: Non-Finnish European, 1.6%; 193 homozygotes.

Submissions (3):

Labcorp Genetics (formerly Invitae), Labcorp
Classification: Benign. Last evaluated: 2026-01-26. Review status: criteria provided, single submitter. Criteria: Invitae Variant Classification Sherloc (09022015). Collection method: clinical testing. Allele origin: germline.

Breakthrough Genomics
Classification: Benign. Review status: criteria provided, single submitter. Criteria: ACMG Guidelines, 2015. Collection method: not provided. Allele origin: germline. Inheritance: Autosomal recessive inheritance. Affected: yes.

PreventionGenetics, part of Exact Sciences
Classification: Benign for OSGEP-related condition. Last evaluated: 2019-04-10. Review status: no assertion criteria provided. Collection method: clinical testing. Allele origin: germline. Not counted in ClinVar's aggregate classification.
Comment: This variant is classified as benign based on ACMG/AMP sequence variant interpretation guidelines (Richards et al. 2015 PMID: 25741868, with internal and published modifications).

NM_017807.4(OSGEP):c.597G>A (p.Gly199=)

Gene: OSGEP (O-sialoglycoprotein endopeptidase; minus strand). Cytogenetic location: 14q11.2.
Variant type: single nucleotide variant.
Coding change: c.597G>A on transcript NM_017807.4 (MANE Select); coding-DNA position 597, G replaced by A.
Protein change: p.Gly199=; no amino-acid change (glycine 199 retained).
Molecular consequence: synonymous variant.
Genome position (GRCh38, 1-based): chr14:20,448,772, C>T on the plus strand (G>A on the coding strand, the complement: OSGEP is on the minus strand). VCF-style: chr14-20448772-C-T. GRCh37 (hg19) VCF-style: chr14-20916931-C-T.
Other names: c.597G>A (NM_017807.3).
Identifiers: ClinVar variation 1165627 (VCV001165627.12), dbSNP rs117300664, ClinGen allele CA7081155.